The following is an entry in ClinVar:

ClinVar aggregate classification (germline): Benign/Likely benign. Review status: criteria provided, multiple submitters, no conflicts (2 of 4 stars). 2 submissions from 2 submitters: Benign (1); Likely benign (1). Last evaluated 2025-01-09.

Conditions:
Lynch syndrome 5 (LYNCH5). Also called: Colorectal cancer, hereditary nonpolyposis, type 5; Hereditary non-polyposis colorectal cancer, type 5. Identifiers: Orphanet 144, MedGen C1833477, MONDO:0013710, OMIM 614350. Disease mechanism: loss of function.
Hereditary nonpolyposis colorectal neoplasms. Identifiers: MedGen C0009405, MeSH D003123.

Submissions (2):

Myriad Genetics, Inc.
Classification: Benign for Lynch syndrome 5. Last evaluated: 2025-01-09. Review status: criteria provided, single submitter. Criteria: Myriad Autosomal Dominant, Autosomal Recessive and X-Linked Classification Criteria (2023). Collection method: clinical testing. Allele origin: unknown.
Comment: This variant is considered benign. This variant is intronic and is not expected to impact mRNA splicing.

Labcorp Genetics (formerly Invitae), Labcorp
Classification: Likely benign for Hereditary nonpolyposis colorectal neoplasms. Last evaluated: 2022-10-13. Review status: criteria provided, single submitter. Criteria: Invitae Variant Classification Sherloc (09022015). Collection method: clinical testing. Allele origin: germline.

NM_000179.3(MSH6):c.4001+6_4001+48dup

Gene: MSH6 (mutS homolog 6; plus strand). Cytogenetic location: 2p16.3.
Variant type: Duplication.
Coding change: c.4001+6_4001+48dup on transcript NM_000179.3 (MANE Select); bases 6 to 48 of the intron after coding-DNA position 4001, 43 bases duplicated.
Molecular consequence: intron variant.
Genome position (GRCh38, 1-based): chr2:47,806,657-47,806,699, 43 bases duplicated; duplicating any 43 consecutive bases within chr2:47,806,656-47,806,699 gives the same sequence; the c. name uses the placement nearest the transcript's 3' end. GRCh37 (hg19): chr2:48,033,796-48,033,838.
Other names: c.3095+6_3095+48dup (NM_001281493.2, NM_001281494.2); c.3611+6_3611+48dup (NM_001281492.2).
Identifiers: ClinVar variation 2035372 (VCV002035372.5), dbSNP rs2530880130, ClinGen allele CA2580067559.
Genomic context (GRCh38, chr2:47,806,655, plus strand): 5'-GGGACATAGAAAAGCAAGAGAATTTGAGAAGATGAATCAGTCACTACGATTATTTCGGTA[A>ACTAACTAACTATAATGGAATTATAACTAACTGACCTTAAGTTT]CTAACTAACTATAATGGAATTATAACTAACTGACCTTAAGTTTCAAAGAAACAGTAAAAG-3'